The following is an entry in ClinVar:

ClinVar aggregate classification (germline): Pathogenic (1 of 4 stars; one submission).

gnomAD v4.1: 1 of 1,613,800 alleles (0.000062%); highest among the groups gnomAD compares: Non-Finnish European, 0.000085%; no homozygotes.

Submission:

Labcorp Genetics (formerly Invitae), Labcorp
Classification: Pathogenic. Last evaluated: 2024-02-08. Review status: criteria provided, single submitter. Criteria: Invitae Variant Classification Sherloc (09022015). Collection method: clinical testing. Allele origin: germline.
Comment: This sequence change creates a premature translational stop signal (p.Trp492*) in the TTLL5 gene. It is expected to result in an absent or disrupted protein product. Loss-of-function variants in TTLL5 are known to be pathogenic (PMID: 24791901, 27162334). This variant is not present in population databases (gnomAD no frequency). This premature translational stop signal has been observed in individual(s) with cone-rod dystrophy (PMID: 35365235). For these reasons, this variant has been classified as Pathogenic.

Literature cited by the submitters: PubMed 24791901; PubMed 27162334; PubMed 35365235.

NM_015072.5(TTLL5):c.1476G>A (p.Trp492Ter)

Gene: TTLL5 (tubulin tyrosine ligase like 5; plus strand). Cytogenetic location: 14q24.3.
Variant type: single nucleotide variant.
Coding change: c.1476G>A on transcript NM_015072.5 (MANE Select); coding-DNA position 1476, G replaced by A.
Protein change: p.Trp492Ter; replaces tryptophan 492 with a stop codon.
Molecular consequence: nonsense.
Genome position (GRCh38, 1-based): chr14:75,745,570, G>A. VCF-style: chr14-75745570-G-A. GRCh37 (hg19) VCF-style: chr14-76211913-G-A.
Other names: short protein forms W492*.
Identifiers: ClinVar variation 3631182 (VCV003631182.2).